The following is an entry in ClinVar:

NM_004525.3(LRP2):c.310+227T>C

Gene: LRP2 (LDL receptor related protein 2; minus strand). Cytogenetic location: 2q31.1.
Variant type: single nucleotide variant.
Coding change: c.310+227T>C on transcript NM_004525.3 (MANE Select); 227 bases into the intron after coding-DNA position 310, T replaced by C.
Molecular consequence: intron variant.
Genome position (GRCh38, 1-based): chr2:169,318,535, A>G on the plus strand (T>C on the coding strand, the complement: LRP2 is on the minus strand). VCF-style: chr2-169318535-A-G. GRCh37 (hg19) VCF-style: chr2-170175045-A-G.
Identifiers: ClinVar variation 1707192 (VCV001707192.2), dbSNP rs17848165, ClinGen allele CA59965646.

ClinVar aggregate classification (germline): Likely benign (1 of 4 stars; one submission).

Allele frequency attached by ClinVar (database versions not stated): TOPMed 0.00787; gnomAD 0.00865; 1000 Genomes Project 30x 0.01452; 1000 Genomes Project 0.01577.
gnomAD v4.1: 1,323 of 152,320 alleles (0.87%); highest among the groups gnomAD compares: East Asian, 5.6%; 32 homozygotes.

Submission:

GeneDx
Classification: Likely benign. Last evaluated: 2020-10-13. Review status: criteria provided, single submitter. Criteria: GeneDx Variant Classification Process June 2021. Collection method: clinical testing. Allele origin: germline. Affected: yes.
Comment: See Variant Classification Assertion Criteria.